The following is an entry in ClinVar:

ClinVar aggregate classification (germline): Uncertain significance (1 of 4 stars; one submission).

Submission:

Labcorp Genetics (formerly Invitae), Labcorp
Classification: Uncertain significance. Last evaluated: 2024-10-23. Review status: criteria provided, single submitter. Criteria: Invitae Variant Classification Sherloc (09022015). Collection method: clinical testing. Allele origin: germline.
Comment: This sequence change affects codon 906 of the HTT mRNA. It is a 'silent' change, meaning that it does not change the encoded amino acid sequence of the HTT protein. This variant is not present in population databases (gnomAD no frequency). This variant has not been reported in the literature in individuals affected with HTT-related conditions. ClinVar contains an entry for this variant (Variation ID: 1380682). Algorithms developed to predict the effect of sequence changes on RNA splicing suggest that this variant is not likely to affect RNA splicing. In summary, the available evidence is currently insufficient to determine the role of this variant in disease. Therefore, it has been classified as a Variant of Uncertain Significance.

NM_001388492.1(HTT):c.2712A>G (p.Gln904=)

Gene: HTT (huntingtin; plus strand). Cytogenetic location: 4p16.3.
Variant type: single nucleotide variant.
Coding change: c.2712A>G on transcript NM_001388492.1 (MANE Select); coding-DNA position 2712, A replaced by G.
Protein change: p.Gln904=; no amino-acid change (glutamine 904 retained).
Molecular consequence: synonymous variant.
Genome position (GRCh38, 1-based): chr4:3,136,240, A>G. VCF-style: chr4-3136240-A-G. GRCh37 (hg19) VCF-style: chr4-3137967-A-G.
Other names: c.2718A>G, p.Gln906= (NM_002111.8).
Identifiers: ClinVar variation 1380682 (VCV001380682.8), dbSNP rs1054534020, ClinGen allele CA91439271.